The following is an entry in ClinVar:

NM_001378328.1(CELSR1):c.2087T>C (p.Leu696Pro)

Gene: CELSR1 (cadherin EGF LAG seven-pass G-type receptor 1; minus strand). Cytogenetic location: 22q13.31.
Variant type: single nucleotide variant.
Coding change: c.2087T>C on transcript NM_001378328.1 (MANE Select); coding-DNA position 2087, T replaced by C.
Protein change: p.Leu696Pro; replaces leucine 696 with proline.
Molecular consequence: missense variant.
Genome position (GRCh38, 1-based): chr22:46,535,084, A>G on the plus strand (T>C on the coding strand, the complement: CELSR1 is on the minus strand). VCF-style: chr22-46535084-A-G. GRCh37 (hg19) VCF-style: chr22-46930981-A-G.
Other names: c.2087T>C, p.Leu696Pro (NM_014246.4); short protein forms L696P.
Identifiers: ClinVar variation 3390652 (VCV003390652.1).

ClinVar aggregate classification (germline): Uncertain significance (1 of 4 stars; one submission).

Submission:

GeneDx
Classification: Uncertain significance. Last evaluated: 2024-06-10. Review status: criteria provided, single submitter. Criteria: GeneDx Variant Classification Process June 2021. Collection method: clinical testing. Allele origin: germline. Affected: yes.
Comment: Not observed at significant frequency in large population cohorts (gnomAD); In silico analysis supports that this missense variant has a deleterious effect on protein structure/function; Has not been previously published as pathogenic or benign to our knowledge